The following is an entry in ClinVar:

ClinVar aggregate classification (germline): Benign (1 of 4 stars; one submission).

Conditions:
Diaphanospondylodysostosis. Also called: VERTEBRAL OSSIFICATION, DEFECT IN, WITH NEPHROGENIC RESTS. Identifiers: Orphanet 66637, MedGen C1842691, MONDO:0011946, OMIM 608022.

Allele frequency attached by ClinVar (database versions not stated): TOPMed 0.24200; gnomAD 0.25122 and 0.25860; 1000 Genomes Project 30x 0.25859; 1000 Genomes Project 0.26657.

Submission:

Illumina Laboratory Services, Illumina
Classification: Benign for Diaphanospondylodysostosis. Last evaluated: 2018-01-12. Review status: criteria provided, single submitter. Criteria: ICSL Variant Classification Criteria 13 December 2019. Collection method: clinical testing. Allele origin: germline.
Comment: This variant was observed in the ICSL laboratory as part of a predisposition screen in an ostensibly healthy population. It had not been previously curated by ICSL or reported in the Human Gene Mutation Database (HGMD: prior to June 1st, 2018), and was therefore a candidate for classification through an automated scoring system. Utilizing variant allele frequency, disease prevalence and penetrance estimates, and inheritance mode, an automated score was calculated to assess if this variant is too frequent to cause the disease. Based on the score and internal cut-off values, a variant classified as benign is not then subjected to further curation. The score for this variant resulted in a classification of benign for this disease.

NM_001365308.1(BMPER):c.*1217A>G

Gene: BMPER (BMP binding endothelial regulator; plus strand). Cytogenetic location: 7p14.3.
Variant type: single nucleotide variant.
Coding change: c.*1217A>G on transcript NM_001365308.1 (MANE Select); 1217 bases downstream of the stop codon, A replaced by G.
Molecular consequence: 3 prime UTR variant.
Genome position (GRCh38, 1-based): chr7:34,154,490, A>G. VCF-style: chr7-34154490-A-G. GRCh37 (hg19) VCF-style: chr7-34194102-A-G.
Other names: c.*1217A>G (NM_133468.5).
Identifiers: ClinVar variation 360138 (VCV000360138.5), dbSNP rs2058681, ClinGen allele CA10629168.
Genomic context (GRCh38, chr7:34,154,490, plus strand): 5'-AACCCACTGTGTCTTAAAATAAAATGTTCTGCATTGTAGTCAATAAAGGGCTTAAGATGT[A>G]AAACAATGCATTTTCTCTCTCAAGATGTCCTGTGTTATACTTTACAATTAGTTGTATCAA-3'